The following is an entry in ClinVar:

NM_001177316.2(SLC34A3):c.925+9dup

Gene: SLC34A3 (solute carrier family 34 member 3; plus strand). Cytogenetic location: 9q34.3.
Variant type: Duplication.
Coding change: c.925+9dup on transcript NM_001177316.2 (MANE Select); 9 bases into the intron after coding-DNA position 925, one base duplicated (C; older notation c.925+9dupC).
Molecular consequence: intron variant.
Genome position (GRCh38, 1-based): chr9:137,233,950, C duplicated; the last of 3 consecutive C bases (chr9:137,233,948-137,233,950); duplicating any one gives the same sequence. VCF-style (leftmost placement, unchanged base first): chr9-137233947-G-GC. GRCh37 (hg19) VCF-style: chr9-140128399-G-GC.
Other names: c.925+9dup (NM_001177317.2, NM_080877.3).
Identifiers: ClinVar variation 3055832 (VCV003055832.2), dbSNP rs2131413210, ClinGen allele CA2499306981.
Genomic context (GRCh38, chr9:137,233,947, plus strand): 5'-GCCTTCGGCCCGTGCACAGAGAAGAACAGCACAGCCCCGGCGGACAGGCTGCCCTGTGAG[G>GC]CCCGGCCCACCCCAAGCCCCCTACACCCCCCACACTCCCCCTCACCGGCCCCTACATGGA-3'

ClinVar aggregate classification (germline): Likely benign (0 of 4 stars; one submission).

Conditions:
SLC34A3-related disorder. Also called: SLC34A3-related condition.

Submission:

PreventionGenetics, part of Exact Sciences
Classification: Likely benign for SLC34A3-related condition. Last evaluated: 2021-12-13. Review status: no assertion criteria provided. Collection method: clinical testing. Allele origin: germline.
Comment: This variant is classified as likely benign based on ACMG/AMP sequence variant interpretation guidelines (Richards et al. 2015 PMID: 25741868, with internal and published modifications).